The following is an entry in ClinVar:

NM_004715.5(CTDP1):c.1950G>A (p.Pro650=)

Gene: CTDP1 (CTD phosphatase subunit 1; plus strand). Cytogenetic location: 18q23.
Variant type: single nucleotide variant.
Coding change: c.1950G>A on transcript NM_004715.5 (MANE Select); coding-DNA position 1950, G replaced by A.
Protein change: p.Pro650=; no amino-acid change (proline 650 retained).
Molecular consequence: synonymous variant.
Genome position (GRCh38, 1-based): chr18:79,715,410, G>A. VCF-style: chr18-79715410-G-A. GRCh37 (hg19) VCF-style: chr18-77475410-G-A.
Other names: c.1593G>A, p.Pro531= (NM_001202504.1); c.1950G>A, p.Pro650= (NM_001318511.2, NM_048368.4).
Identifiers: ClinVar variation 3351328 (VCV003351328.1).
Genomic context (GRCh38, chr18:79,715,410, plus strand): 5'-GAGCAAGGTGCTGGCAGACGTGGCCATAATTTTCAGTGGGCTACACCCGACAAACTTCCC[G>A]ATAGAGAAGACGCGGGAGCATTACCACGCCACGGCGCTGGGAGCGAAGATCCTCACTCGG-3'
Protein context (NP_004706.3, residues 640-660): IFSGLHPTNF[Pro650=]IEKTREHYHA

ClinVar aggregate classification (germline): Benign (0 of 4 stars; one submission).

Conditions:
CTDP1-related disorder. Also called: CTDP1-related condition.

gnomAD v4.1: 26 of 1,602,382 alleles (0.0016%); highest among the groups gnomAD compares: African/African-American, 0.0094%; no homozygotes.

Submission:

PreventionGenetics, part of Exact Sciences
Classification: Benign for CTDP1-related condition. Last evaluated: 2019-06-27. Review status: no assertion criteria provided. Collection method: clinical testing. Allele origin: germline.
Comment: This variant is classified as benign based on ACMG/AMP sequence variant interpretation guidelines (Richards et al. 2015 PMID: 25741868, with internal and published modifications).